The following is an entry in ClinVar:

NM_001042492.3(NF1):c.1875C>T (p.Leu625=)

Gene: NF1 (neurofibromin 1; plus strand). Cytogenetic location: 17q11.2.
Variant type: single nucleotide variant.
Coding change: c.1875C>T on transcript NM_001042492.3 (MANE Select); coding-DNA position 1875, C replaced by T.
Protein change: p.Leu625=; no amino-acid change (leucine 625 retained).
Molecular consequence: synonymous variant.
Genome position (GRCh38, 1-based): chr17:31,225,124, C>T. VCF-style: chr17-31225124-C-T. GRCh37 (hg19) VCF-style: chr17-29552142-C-T.
Other names: c.1875C>T, p.Leu625= (NM_000267.4).
Identifiers: ClinVar variation 457552 (VCV000457552.18), dbSNP rs974172157, ClinGen allele CA289361947.

ClinVar aggregate classification (germline): Benign/Likely benign. Review status: criteria provided, multiple submitters, no conflicts (2 of 4 stars). 5 submissions from 5 submitters: Benign (1); Likely benign (4). Last evaluated 2026-05-15.

Conditions:
Hereditary cancer-predisposing syndrome. Also called: Hereditary neoplastic syndrome; Neoplastic Syndromes, Hereditary; Hereditary Cancer Syndrome; Tumor predisposition. Identifiers: Orphanet 140162, MedGen C0027672, MeSH D009386, MONDO:0015356.
Cardiovascular phenotype. Identifiers: MedGen CN230736.
Neurofibromatosis, type 1 (NF1). Also called: Peripheral type neurofibromatosis; Neurofibromatosis, type I; VON RECKLINGHAUSEN DISEASE; NEUROFIBROMATOSIS, TYPE I, SOMATIC. Identifiers: Orphanet 636, MedGen C0027831, MONDO:0018975, OMIM 162200. Disease mechanism: loss of function.

Allele frequency attached by ClinVar (database versions not stated): gnomAD exomes 0.00001; gnomAD 0.00001; TOPMed 0.00001.
gnomAD v4.1: 4 of 1,613,436 alleles (0.00025%); highest among the groups gnomAD compares: African/African-American, 0.0013%; no homozygotes.

Submissions (5):

Myriad Genetics, Inc.
Classification: Benign for Neurofibromatosis, type 1. Last evaluated: 2026-05-15. Review status: criteria provided, single submitter. Criteria: Myriad Autosomal Dominant, Autosomal Recessive and X-Linked Classification Criteria (2023). Collection method: clinical testing. Allele origin: unknown.
Comment: This variant is considered benign. This variant is a silent/synonymous amino acid change and it is not expected to impact splicing.

Labcorp Genetics (formerly Invitae), Labcorp
Classification: Likely benign for Neurofibromatosis, type 1. Last evaluated: 2025-10-25. Review status: criteria provided, single submitter. Criteria: Invitae Variant Classification Sherloc (09022015). Collection method: clinical testing. Allele origin: germline.

Genome-Nilou Lab
Classification: Likely benign for Neurofibromatosis, type 1. Last evaluated: 2022-03-15. Review status: criteria provided, single submitter. Criteria: ACMG Guidelines, 2015. Collection method: clinical testing. Allele origin: germline. Affected: no.

GeneDx
Classification: Likely benign. Last evaluated: 2020-03-04. Review status: criteria provided, single submitter. Criteria: GeneDx Variant Classification Process June 2021. Collection method: clinical testing. Allele origin: germline. Affected: yes.

Ambry Genetics
Classification: Likely benign for Cardiovascular phenotype; Hereditary cancer-predisposing syndrome. Last evaluated: 2018-01-09. Review status: criteria provided, single submitter. Criteria: Ambry Variant Classification Scheme 2023. Collection method: clinical testing. Allele origin: germline.